The following is an entry in ClinVar:

ClinVar aggregate classification (germline): Uncertain significance. Review status: criteria provided, multiple submitters, no conflicts (2 of 4 stars). 2 submissions from 2 submitters: Uncertain significance (2). Last evaluated 2022-03-18.

Conditions:
GM3 synthase deficiency (SPDRS). Also called: AMISH INFANTILE EPILEPSY SYNDROME; SALT AND PEPPER DEVELOPMENTAL REGRESSION SYNDROME; SALT AND PEPPER MENTAL RETARDATION SYNDROME. Identifiers: Orphanet 171714, Orphanet 370933, MedGen C1836824, MONDO:0018274, OMIM 609056.

Allele frequency attached by ClinVar (database versions not stated): gnomAD exomes 0.00004; gnomAD 0.00005 and 0.00006; TOPMed 0.00006; ExAC 0.00007; 1000 Genomes Project 30x 0.00016; 1000 Genomes Project 0.00020; ESP Exome Variant Server 0.00031.

Submissions (2):

Labcorp Genetics (formerly Invitae), Labcorp
Classification: Uncertain significance for GM3 synthase deficiency. Last evaluated: 2022-03-18. Review status: criteria provided, single submitter. Criteria: Invitae Variant Classification Sherloc (09022015). Collection method: clinical testing. Allele origin: germline.
Comment: This sequence change replaces leucine, which is neutral and non-polar, with phenylalanine, which is neutral and non-polar, at codon 83 of the ST3GAL5 protein (p.Leu83Phe). This variant is present in population databases (rs146955794, gnomAD 0.02%). This variant has not been reported in the literature in individuals affected with ST3GAL5-related conditions. ClinVar contains an entry for this variant (Variation ID: 626023). Algorithms developed to predict the effect of missense changes on protein structure and function are either unavailable or do not agree on the potential impact of this missense change (SIFT: "Deleterious"; PolyPhen-2: "Benign"; Align-GVGD: "Class C0"). In summary, the available evidence is currently insufficient to determine the role of this variant in disease. Therefore, it has been classified as a Variant of Uncertain Significance.

Center for Genomics, Ann and Robert H. Lurie Children's Hospital of Chicago
Classification: Uncertain significance for GM3 synthase deficiency. Last evaluated: 2021-03-30. Review status: criteria provided, single submitter. Criteria: ACMG Guidelines, 2015. Collection method: clinical testing. Allele origin: germline.
Comment: ST3GAL5 NM_003896.3 exon 3 p.Leu83Phe (c.247C>T): This variant has not been reported in the literature, but it is present in 5/24014 African alleles in the Genome Aggregation Database. Evolutionary conservation and computational predictive tools for this variant are unclear. In summary, data on this variant is insufficient for disease classification. Therefore, the clinical significance of this variant is uncertain.

NM_003896.4(ST3GAL5):c.247C>T (p.Leu83Phe)

Gene: ST3GAL5 (ST3 beta-galactoside alpha-2,3-sialyltransferase 5; minus strand). Cytogenetic location: 2p11.2.
Variant type: single nucleotide variant.
Coding change: c.247C>T on transcript NM_003896.4 (MANE Select); coding-DNA position 247, C replaced by T.
Protein change: p.Leu83Phe; replaces leucine 83 with phenylalanine.
Molecular consequence: missense variant. On other transcripts: 5 prime UTR variant (5).
Genome position (GRCh38, 1-based): chr2:85,861,252, G>A on the plus strand (C>T on the coding strand, the complement: ST3GAL5 is on the minus strand). VCF-style: chr2-85861252-G-A. GRCh37 (hg19) VCF-style: chr2-86088375-G-A.
Other names: c.178C>T, p.Leu60Phe (NM_001042437.2); c.-315C>T (NM_001354223.2, NM_001354226.2); c.-378C>T (NM_001354224.2); c.163C>T, p.Leu55Phe (NM_001354227.2, NM_001354229.2, NM_001354238.1); c.-755C>T (NM_001354233.2); c.-719C>T (NM_001354234.1); c.247C>T, p.Leu83Phe (NM_001363847.1); short protein forms L83F, L60F, L55F.
Identifiers: ClinVar variation 626023 (VCV000626023.10), dbSNP rs146955794, ClinGen allele CA1745123.